The following is an entry in ClinVar:

ClinVar aggregate classification (germline): Conflicting classifications of pathogenicity. Review status: criteria provided, conflicting classifications (1 of 4 stars). 11 submissions from 7 submitters: Uncertain significance (10); Likely benign (1). Last evaluated 2026-09-21.

Conditions:
Dilated cardiomyopathy 1G (CMD1G). Identifiers: Orphanet 154, MedGen C1858763, MONDO:0011400, OMIM 604145.
Autosomal recessive limb-girdle muscular dystrophy type 2J (LGMDR10). Also called: Limb-girdle muscular dystrophy, type 2J; MUSCULAR DYSTROPHY, LIMB-GIRDLE, AUTOSOMAL RECESSIVE 10. Identifiers: Orphanet 140922, MedGen C1837342, MONDO:0012127, OMIM 608807.
Myopathy, myofibrillar, 9, with early respiratory failure (MFM9). Also called: Hereditary myopathy with early respiratory failure; Myopathy, distal, with early respiratory failure, autosomal dominant; EDSTROM MYOPATHY; MYOPATHY, PROXIMAL, WITH EARLY RESPIRATORY MUSCLE INVOLVEMENT. Identifiers: Orphanet 178464, Orphanet 34521, MedGen C1863599, MONDO:0011362, OMIM 603689.
Tibial muscular dystrophy (TMD). Also called: UDD MYOPATHY; Udd Distal Myopathy – Tibial Muscular Dystrophy; Tibial muscular dystrophy, tardive. Identifiers: Orphanet 609, MedGen C1838244, MONDO:0010870, OMIM 600334.
Early-onset myopathy with fatal cardiomyopathy (CMYO5). Also called: CONGENITAL MYOPATHY 5 WITH CARDIOMYOPATHY; Salih Myopathy. Identifiers: Orphanet 289377, MedGen C2673677, MONDO:0012714, OMIM 611705. Disease mechanism: loss of function.
Hypertrophic cardiomyopathy 9. Also called: Familial hypertrophic cardiomyopathy 9. Identifiers: MedGen C1861065, MONDO:0013412, OMIM 613765.
TTN-related disorder. Also called: TTN-related disorders; TTN-related condition; TTN-related disease.

Allele frequency attached by ClinVar (database versions not stated): gnomAD exomes 0.00003; TOPMed 0.00003; gnomAD 0.00006 and 0.00005; ExAC 0.00002.
gnomAD v4.1: 82 of 1,612,870 alleles (0.0051%); highest among the groups gnomAD compares: Admixed American, 0.0067%; no homozygotes.

Submissions (11):

Molecular Diagnostic Laboratory for Inherited Cardiovascular Disease, Montreal Heart Institute
Classification: Likely benign. Last evaluated: 2026-09-21. Review status: criteria provided, single submitter. Criteria: ACMG Guidelines, 2015. Collection method: clinical testing. Allele origin: germline. Affected: no.

PreventionGenetics, part of Exact Sciences
Classification: Uncertain significance for TTN-related condition. Last evaluated: 2026-06-30. Review status: criteria provided, single submitter. Criteria: ACMG Guidelines, 2015. Collection method: clinical testing. Allele origin: germline.
Comment: The TTN c.44273G>A variant is predicted to result in the amino acid substitution p.Arg14758Gln. This variant has been reported with another TTN variant (c.59340G>T, p.R19780S) in a patient from a cohort study of individuals with Bannayan–Riley–Ruvalcaba syndrome-like and Cowden syndrome and Cowden syndrome-like (Supplementary Table 5, Yehia et al. 2017. PubMed ID: 29263846). This variant is reported in 0.0057% of alleles in individuals of Latino descent in gnomAD. At this time, the clinical significance of this variant is uncertain due to the absence of conclusive functional and genetic evidence.

Revvity Omics, Revvity
Classification: Uncertain significance. Last evaluated: 2025-05-21. Review status: criteria provided, single submitter. Criteria: ACMG Guidelines, 2015. Collection method: clinical testing. Allele origin: germline.

Fulgent Genetics
Classification: Uncertain significance for Tibial muscular dystrophy; Myopathy, myofibrillar, 9, with early respiratory failure; Dilated cardiomyopathy 1G; Autosomal recessive limb-girdle muscular dystrophy type 2J; Early-onset myopathy with fatal cardiomyopathy; Hypertrophic cardiomyopathy 9. Last evaluated: 2021-10-02. Review status: criteria provided, single submitter. Criteria: ACMG Guidelines, 2015. Collection method: clinical testing. Allele origin: unknown.

Illumina Laboratory Services, Illumina
Classification: Uncertain significance for Autosomal recessive limb-girdle muscular dystrophy type 2J. Last evaluated: 2018-01-13. Review status: criteria provided, single submitter. Criteria: ICSL Variant Classification Criteria 13 December 2019. Collection method: clinical testing. Allele origin: germline.

Illumina Laboratory Services, Illumina
Classification: Uncertain significance for Myopathy, myofibrillar, 9, with early respiratory failure. Last evaluated: 2018-01-13. Review status: criteria provided, single submitter. Criteria: ICSL Variant Classification Criteria 13 December 2019. Collection method: clinical testing. Allele origin: germline.

Illumina Laboratory Services, Illumina
Classification: Uncertain significance for Dilated cardiomyopathy 1G. Last evaluated: 2018-01-13. Review status: criteria provided, single submitter. Criteria: ICSL Variant Classification Criteria 13 December 2019. Collection method: clinical testing. Allele origin: germline.

Illumina Laboratory Services, Illumina
Classification: Uncertain significance for Tibial muscular dystrophy. Last evaluated: 2018-01-13. Review status: criteria provided, single submitter. Criteria: ICSL Variant Classification Criteria 13 December 2019. Collection method: clinical testing. Allele origin: germline.

Illumina Laboratory Services, Illumina
Classification: Uncertain significance for Early-onset myopathy with fatal cardiomyopathy. Last evaluated: 2018-01-13. Review status: criteria provided, single submitter. Criteria: ICSL Variant Classification Criteria 13 December 2019. Collection method: clinical testing. Allele origin: germline.

Eurofins Ntd Llc (ga)
Classification: Uncertain significance. Last evaluated: 2017-12-14. Review status: criteria provided, single submitter. Criteria: EGL Classification Definitions 2015. Collection method: clinical testing. Allele origin: germline. Observed: 2 variant alleles, 1 heterozygote.

Labcorp Genetics (formerly Invitae), Labcorp
Classification: Uncertain significance for Dilated cardiomyopathy 1G; Autosomal recessive limb-girdle muscular dystrophy type 2J. Last evaluated: 2017-05-15. Review status: criteria provided, single submitter. Criteria: Invitae Variant Classification Sherloc (09022015). Collection method: clinical testing. Allele origin: germline.

NM_001267550.2(TTN):c.44273G>A (p.Arg14758Gln)

Gene: TTN (titin; minus strand). Cytogenetic location: 2q31.2.
Variant type: single nucleotide variant.
Coding change: c.44273G>A on transcript NM_001267550.2 (MANE Select); coding-DNA position 44273, G replaced by A.
Protein change: p.Arg14758Gln; replaces arginine 14758 with glutamine.
Molecular consequence: missense variant.
Genome position (GRCh38, 1-based): chr2:178,630,249, C>T on the plus strand (G>A on the coding strand, the complement: TTN is on the minus strand). VCF-style: chr2-178630249-C-T. GRCh37 (hg19) VCF-style: chr2-179494976-C-T.
Other names: c.39350G>A, p.Arg13117Gln (NM_001256850.1); c.17078G>A, p.Arg5693Gln (NM_003319.4); c.36569G>A, p.Arg12190Gln (NM_133378.4); c.17453G>A, p.Arg5818Gln (NM_133432.3); c.17654G>A, p.Arg5885Gln (NM_133437.4); short protein forms R14758Q, R12190Q, R5693Q, R13117Q, R5818Q, R5885Q.
Identifiers: ClinVar variation 467159 (VCV000467159.16), dbSNP rs770389312, ClinGen allele CA1995705.